The following is an entry in ClinVar:

NM_181458.4(PAX3):c.202C>T (p.Arg68Trp)

Gene: PAX3 (paired box 3; minus strand). Cytogenetic location: 2q36.1.
Variant type: single nucleotide variant.
Coding change: c.202C>T on transcript NM_181458.4 (MANE Select); coding-DNA position 202, C replaced by T.
Protein change: p.Arg68Trp; replaces arginine 68 with tryptophan.
Molecular consequence: missense variant.
Genome position (GRCh38, 1-based): chr2:222,297,097, G>A on the plus strand (C>T on the coding strand, the complement: PAX3 is on the minus strand). VCF-style: chr2-222297097-G-A. GRCh37 (hg19) VCF-style: chr2-223161816-G-A.
Other names: NM_181458.3:c.202C>T, p.(Arg68Trp); c.202C>T, p.Arg68Trp (NM_000438.6, NM_001127366.3, NM_013942.5 and 4 more transcripts); short protein forms R68W.
Identifiers: ClinVar variation 1299308 (VCV001299308.5), dbSNP rs2106203892, ClinGen allele CA351113597.

ClinVar aggregate classification (germline): Likely pathogenic. Review status: criteria provided, multiple submitters, no conflicts (2 of 4 stars). 2 submissions from 2 submitters: Likely pathogenic (2). Last evaluated 2023-06-30.

Conditions:
Waardenburg syndrome type 1 (WS1). Also called: Waardenburg Syndrome Type I; WAARDENBURG SYNDROME WITH DYSTOPIA CANTHORUM. Identifiers: Orphanet 894, MedGen C1847800, MONDO:0008670, OMIM 193500.

Submissions (2):

Labcorp Genetics (formerly Invitae), Labcorp
Classification: Likely pathogenic. Last evaluated: 2023-06-30. Review status: criteria provided, single submitter. Criteria: Invitae Variant Classification Sherloc (09022015). Collection method: clinical testing. Allele origin: germline.
Comment: This variant disrupts the p.Arg68 amino acid residue in PAX3. Other variant(s) that disrupt this residue have been observed in individuals with PAX3-related conditions (PMID: 20127975), which suggests that this may be a clinically significant amino acid residue. Advanced modeling of protein sequence and biophysical properties (such as structural, functional, and spatial information, amino acid conservation, physicochemical variation, residue mobility, and thermodynamic stability) performed at Invitae indicates that this missense variant is expected to disrupt PAX3 protein function. In summary, the currently available evidence indicates that the variant is pathogenic, but additional data are needed to prove that conclusively. Therefore, this variant has been classified as Likely Pathogenic. This variant is not present in population databases (gnomAD no frequency). This sequence change replaces arginine, which is basic and polar, with tryptophan, which is neutral and slightly polar, at codon 68 of the PAX3 protein (p.Arg68Trp). This missense change has been observed in individuals with Waardenburg syndrome (PMID: 32747562; Invitae). ClinVar contains an entry for this variant (Variation ID: 1299308).

King Laboratory, University of Washington
Classification: Likely pathogenic for Waardenburg syndrome type 1. Last evaluated: 2020-08-01. Review status: criteria provided, single submitter. Criteria: Abu Rayyan A et al. (Proc Natl Acad Sci U S A 2020). Collection method: research. Allele origin: germline. Affected: yes.
Comment: PAX3 c.202C>T, p.R68W alters a residue of PAX3 completely conserved in all sequenced vertebrates. The variant is absent from 1300 Palestinian controls and does not appear on public databases.

Literature cited by the submitters: PubMed 20127975 (cited by Labcorp Genetics (formerly Invitae), Labcorp); PubMed 32747562 (cited by Labcorp Genetics (formerly Invitae), Labcorp).